The following is an entry in ClinVar:

ClinVar aggregate classification (germline): Uncertain significance. Review status: criteria provided, multiple submitters, no conflicts (2 of 4 stars). 3 submissions from 3 submitters: Uncertain significance (3). Last evaluated 2026-09-11.

Conditions:
Cardiovascular phenotype. Identifiers: MedGen CN230736.
Osteogenesis imperfecta type I (OI1). Also called: OI, TYPE I; OSTEOGENESIS IMPERFECTA TARDA; OSTEOGENESIS IMPERFECTA WITH BLUE SCLERAE; Osteogenesis imperfecta type 1; Lobstein's Disease; Lobstein disease. Identifiers: Orphanet 216796, Orphanet 666, MedGen C0023931, MONDO:0008146, OMIM 166200. Disease mechanism: loss of function.
COL1A1-related disorder. Also called: COL1A1-related condition; COL1A1- related disease.

Allele frequency attached by ClinVar (database versions not stated): TOPMed 0.00002; gnomAD 0.00003.
gnomAD v4.1: 6 of 1,612,870 alleles (0.00037%); highest among the groups gnomAD compares: African/African-American, 0.008%; no homozygotes.

Submissions (3):

PreventionGenetics, part of Exact Sciences
Classification: Uncertain significance for COL1A1-related condition. Last evaluated: 2026-09-11. Review status: criteria provided, single submitter. Criteria: ACMG Guidelines, 2015. Collection method: clinical testing. Allele origin: germline.
Comment: The COL1A1 c.2945C>T variant is predicted to result in the amino acid substitution p.Pro982Leu. To our knowledge, this variant has not been reported in the literature or in a large population database (gnomAD), indicating this variant is rare. At this time, the clinical significance of this variant is uncertain due to the absence of conclusive functional and genetic evidence.

Ambry Genetics
Classification: Uncertain significance for Cardiovascular phenotype. Last evaluated: 2026-01-12. Review status: criteria provided, single submitter. Criteria: Ambry Variant Classification Scheme 2023. Collection method: clinical testing. Allele origin: germline.
Comment: The p.P982L variant (also known as c.2945C>T), located in coding exon 41 of the COL1A1 gene, results from a C to T substitution at nucleotide position 2945. The proline at codon 982 is replaced by leucine, an amino acid with similar properties. This amino acid position is conserved. In addition, this alteration is predicted to be deleterious by in silico analysis. Based on the available evidence, the clinical significance of this variant remains unclear.

Labcorp Genetics (formerly Invitae), Labcorp
Classification: Uncertain significance for Osteogenesis imperfecta type I. Last evaluated: 2022-07-19. Review status: criteria provided, single submitter. Criteria: Invitae Variant Classification Sherloc (09022015). Collection method: clinical testing. Allele origin: germline.
Comment: In summary, the available evidence is currently insufficient to determine the role of this variant in disease. Therefore, it has been classified as a Variant of Uncertain Significance. Advanced modeling of protein sequence and biophysical properties (such as structural, functional, and spatial information, amino acid conservation, physicochemical variation, residue mobility, and thermodynamic stability) performed at Invitae indicates that this missense variant is not expected to disrupt COL1A1 protein function. ClinVar contains an entry for this variant (Variation ID: 933984). This variant has not been reported in the literature in individuals affected with COL1A1-related conditions. This variant is not present in population databases (gnomAD no frequency). This sequence change replaces proline, which is neutral and non-polar, with leucine, which is neutral and non-polar, at codon 982 of the COL1A1 protein (p.Pro982Leu).

NM_000088.4(COL1A1):c.2945C>T (p.Pro982Leu)

Gene: COL1A1 (collagen type I alpha 1 chain; minus strand). Cytogenetic location: 17q21.33.
Variant type: single nucleotide variant.
Coding change: c.2945C>T on transcript NM_000088.4 (MANE Select); coding-DNA position 2945, C replaced by T.
Protein change: p.Pro982Leu; replaces proline 982 with leucine.
Molecular consequence: missense variant.
Genome position (GRCh38, 1-based): chr17:50,189,003, G>A on the plus strand (C>T on the coding strand, the complement: COL1A1 is on the minus strand). VCF-style: chr17-50189003-G-A. GRCh37 (hg19) VCF-style: chr17-48266364-G-A.
Other names: short protein forms P982L.
Identifiers: ClinVar variation 933984 (VCV000933984.12), dbSNP rs940298764, ClinGen allele CA291543102.